The following is an entry in ClinVar:

ClinVar aggregate classification (germline): Uncertain significance. Review status: criteria provided, single submitter (1 of 4 stars). 2 submissions from 2 submitters: Uncertain significance (1). 1 of the submissions does not count toward it. Last evaluated 2022-11-19.

Conditions:
Hypertrophic cardiomyopathy. Also called: HYPERTROPHIC MYOCARDIOPATHY. Identifiers: Orphanet 217569, MedGen C0007194, MeSH D002312, MONDO:0005045, HP:0001639.
Hypertrophic cardiomyopathy 19. Also called: Familial hypertrophic cardiomyopathy 19. Identifiers: MedGen CN077603, MONDO:0013476.

Allele frequency attached by ClinVar (database versions not stated): gnomAD exomes below 0.00001; ExAC 0.00001; gnomAD 0.00001; TOPMed 0.00001; ESP Exome Variant Server 0.00008.
gnomAD v4.1: 2 of 1,613,800 alleles (0.00012%); highest among the groups gnomAD compares: African/African-American, 0.0027%; no homozygotes.

Submissions (2):

Labcorp Genetics (formerly Invitae), Labcorp
Classification: Uncertain significance for Hypertrophic cardiomyopathy 19. Last evaluated: 2022-11-19. Review status: criteria provided, single submitter. Criteria: Invitae Variant Classification Sherloc (09022015). Collection method: clinical testing. Allele origin: germline.
Comment: In summary, the available evidence is currently insufficient to determine the role of this variant in disease. Therefore, it has been classified as a Variant of Uncertain Significance. Advanced modeling of protein sequence and biophysical properties (such as structural, functional, and spatial information, amino acid conservation, physicochemical variation, residue mobility, and thermodynamic stability) performed at Invitae indicates that this missense variant is not expected to disrupt CALR3 protein function. ClinVar contains an entry for this variant (Variation ID: 1343388). This variant has not been reported in the literature in individuals affected with CALR3-related conditions. This variant is present in population databases (rs143334090, gnomAD 0.008%). This sequence change replaces aspartic acid, which is acidic and polar, with asparagine, which is neutral and polar, at codon 321 of the CALR3 protein (p.Asp321Asn).

Institute of Human Genetics, University of Wuerzburg
Classification: Uncertain significance for Hypertrophic cardiomyopathy. Review status: no assertion criteria provided. Collection method: clinical testing. Allele origin: unknown. Affected: yes. Observed: 1 variant allele. Not counted in ClinVar's aggregate classification.

NM_145046.5(CALR3):c.961G>A (p.Asp321Asn)

Gene: CALR3 (calreticulin 3; minus strand). Cytogenetic location: 19p13.11.
Variant type: single nucleotide variant.
Coding change: c.961G>A on transcript NM_145046.5 (MANE Select); coding-DNA position 961, G replaced by A.
Protein change: p.Asp321Asn; replaces aspartic acid 321 with asparagine.
Molecular consequence: missense variant.
Genome position (GRCh38, 1-based): chr19:16,480,664, C>T on the plus strand (G>A on the coding strand, the complement: CALR3 is on the minus strand). VCF-style: chr19-16480664-C-T. GRCh37 (hg19) VCF-style: chr19-16591475-C-T.
Other names: short protein forms D321N.
Identifiers: ClinVar variation 1343388 (VCV001343388.4), dbSNP rs143334090, ClinGen allele CA9278228.